The following is an entry in ClinVar:

NM_144643.4(SCLT1):c.785A>G (p.Asp262Gly)

Gene: SCLT1 (sodium channel and clathrin linker 1; minus strand). Cytogenetic location: 4q28.2.
Variant type: single nucleotide variant.
Coding change: c.785A>G on transcript NM_144643.4 (MANE Select); coding-DNA position 785, A replaced by G.
Protein change: p.Asp262Gly; replaces aspartic acid 262 with glycine.
Molecular consequence: missense variant.
Genome position (GRCh38, 1-based): chr4:128,965,311, T>C on the plus strand (A>G on the coding strand, the complement: SCLT1 is on the minus strand). VCF-style: chr4-128965311-T-C. GRCh37 (hg19) VCF-style: chr4-129886466-T-C.
Other names: short protein forms D262G.
Identifiers: ClinVar variation 1481706 (VCV001481706.7), dbSNP rs756551030, ClinGen allele CA3079803.

ClinVar aggregate classification (germline): Uncertain significance. Review status: criteria provided, multiple submitters, no conflicts (2 of 4 stars). 2 submissions from 2 submitters: Uncertain significance (2). Last evaluated 2024-02-24.

Allele frequency attached by ClinVar (database versions not stated): gnomAD exomes below 0.00001; ExAC 0.00002.
gnomAD v4.1: 1 of 1,602,160 alleles (0.000062%); highest among the groups gnomAD compares: Admixed American, 0.0017%; no homozygotes.

Submissions (2):

Labcorp Genetics (formerly Invitae), Labcorp
Classification: Uncertain significance. Last evaluated: 2024-02-24. Review status: criteria provided, single submitter. Criteria: Invitae Variant Classification Sherloc (09022015). Collection method: clinical testing. Allele origin: germline.
Comment: This sequence change replaces aspartic acid, which is acidic and polar, with glycine, which is neutral and non-polar, at codon 262 of the SCLT1 protein (p.Asp262Gly). This variant is present in population databases (rs756551030, gnomAD 0.003%). This variant has not been reported in the literature in individuals affected with SCLT1-related conditions. ClinVar contains an entry for this variant (Variation ID: 1481706). An algorithm developed to predict the effect of missense changes on protein structure and function (PolyPhen-2) suggests that this variant is likely to be disruptive. In summary, the available evidence is currently insufficient to determine the role of this variant in disease. Therefore, it has been classified as a Variant of Uncertain Significance.

Blueprint Genetics
Classification: Uncertain significance. Last evaluated: 2021-09-14. Review status: criteria provided, single submitter. Criteria: ACMG Guidelines, 2015. Collection method: clinical testing. Allele origin: germline.